The following is an entry in ClinVar:

NM_001267550.2(TTN):c.66525_66528dup (p.Trp22177fs)

Genes: TTN-AS1 (TTN antisense RNA 1; plus strand), TTN (titin; minus strand). Cytogenetic location: 2q31.2.
Variant type: Duplication.
Coding change: c.66525_66528dup on transcript NM_001267550.2 (MANE Select); coding-DNA positions 66525 to 66528, 4 bases duplicated (ATCT; older notation c.66525_66528dupATCT).
Protein change: p.Trp22177fs; shifts the reading frame from tryptophan 22177.
Molecular consequence: frameshift variant.
Genome position (GRCh38, 1-based): chr2:178,581,740-178,581,743, AGAT duplicated on the plus strand (ATCT on the coding strand, the reverse complement: TTN is on the minus strand); duplicating any 4 consecutive bases within chr2:178,581,740-178,581,746 gives the same sequence; the c. name uses the placement nearest the transcript's 3' end. VCF-style (leftmost placement, unchanged base first): chr2-178581739-A-AAGAT. GRCh37 (hg19) VCF-style: chr2-179446466-A-AAGAT.
Other names: c.61602_61605dup, p.Trp20536fs (NM_001256850.1); c.39330_39333dup, p.Trp13112fs (NM_003319.4); c.58821_58824dup, p.Trp19609fs (NM_133378.4); c.39705_39708dup, p.Trp13237fs (NM_133432.3); c.39906_39909dup, p.Trp13304fs (NM_133437.4); short protein forms W13112fs, W13237fs, W13304fs, W19609fs, W20536fs, W22177fs.
Identifiers: ClinVar variation 2442906 (VCV002442906.3), dbSNP rs2468995543, ClinGen allele CA2580064708.

ClinVar aggregate classification (germline): Likely pathogenic. Review status: criteria provided, multiple submitters, no conflicts (2 of 4 stars). 2 submissions from 2 submitters: Likely pathogenic (2). Last evaluated 2025-09-27.

Conditions:
Cardiomyopathy (CMYO). Also called: Cardiomyopathies. Identifiers: Orphanet 167848, MedGen C0878544, MONDO:0004994, HP:0001638. Inheritance: Various modes of inheritance.
Dilated cardiomyopathy 1G (CMD1G). Identifiers: Orphanet 154, MedGen C1858763, MONDO:0011400, OMIM 604145.
Autosomal recessive limb-girdle muscular dystrophy type 2J (LGMDR10). Also called: Limb-girdle muscular dystrophy, type 2J; MUSCULAR DYSTROPHY, LIMB-GIRDLE, AUTOSOMAL RECESSIVE 10. Identifiers: Orphanet 140922, MedGen C1837342, MONDO:0012127, OMIM 608807.

Submissions (2):

Labcorp Genetics (formerly Invitae), Labcorp
Classification: Likely pathogenic for Dilated cardiomyopathy 1G; Autosomal recessive limb-girdle muscular dystrophy type 2J. Last evaluated: 2025-09-27. Review status: criteria provided, single submitter. Criteria: Invitae Variant Classification Sherloc (09022015). Collection method: clinical testing. Allele origin: germline.
Comment: This sequence change creates a premature translational stop signal (p.Trp22177Ilefs*8) in the TTN gene. While this is not anticipated to result in nonsense mediated decay, it is expected to create a truncated TTN protein. This variant is not present in population databases (gnomAD no frequency). This variant has not been reported in the literature in individuals affected with TTN-related conditions. ClinVar contains an entry for this variant (Variation ID: 2442906). This variant is located in the A band of TTN (PMID: 25589632). Truncating variants in this region are significantly overrepresented in patients affected with dilated cardiomyopathy (PMID: 25589632). Truncating variants in this region have also been reported in individuals affected with autosomal recessive centronuclear myopathy (PMID: 23975875). In summary, the currently available evidence indicates that the variant is pathogenic, but additional data are needed to prove that conclusively. Therefore, this variant has been classified as Likely Pathogenic.

CHEO Genetics Diagnostic Laboratory, Children's Hospital of Eastern Ontario
Classification: Likely pathogenic for Cardiomyopathy. Last evaluated: 2021-06-18. Review status: criteria provided, single submitter. Criteria: ACMG Guidelines, 2015. Collection method: clinical testing. Allele origin: germline.

Literature cited by the submitters: PubMed 25589632 (cited by Labcorp Genetics (formerly Invitae), Labcorp); PubMed 23975875 (cited by Labcorp Genetics (formerly Invitae), Labcorp).